The following is an entry in ClinVar:

NM_001081.4(CUBN):c.8656G>A (p.Val2886Met)

Gene: CUBN (cubilin; minus strand). Cytogenetic location: 10p13.
Variant type: single nucleotide variant.
Coding change: c.8656G>A on transcript NM_001081.4 (MANE Select); coding-DNA position 8656, G replaced by A.
Protein change: p.Val2886Met; replaces valine 2886 with methionine.
Molecular consequence: missense variant.
Genome position (GRCh38, 1-based): chr10:16,890,470, C>T on the plus strand (G>A on the coding strand, the complement: CUBN is on the minus strand). VCF-style: chr10-16890470-C-T. GRCh37 (hg19) VCF-style: chr10-16932469-C-T.
Other names: short protein forms V2886M.
Identifiers: ClinVar variation 299398 (VCV000299398.14), dbSNP rs200235278, ClinGen allele CA5422956.

ClinVar aggregate classification (germline): Uncertain significance. Review status: criteria provided, multiple submitters, no conflicts (2 of 4 stars). 4 submissions from 4 submitters: Uncertain significance (4). Last evaluated 2025-08-12.

Conditions:
Imerslund-Grasbeck syndrome type 1 (IGS1). Also called: Megaloblastic anemia 1, Finnish type; MEGALOBLASTIC ANEMIA, 1; Imerslund-Gräsbeck syndrome 1. Identifiers: MedGen C4016819, MONDO:0100156, OMIM 261100.
Proteinuria, chronic benign. Identifiers: MedGen C5394384, MONDO:0030042, OMIM 618884.
Imerslund-Grasbeck syndrome. Also called: ENTEROCYTE COBALAMIN MALABSORPTION; ENTEROCYTE INTRINSIC FACTOR RECEPTOR, DEFECT OF; Imerslund-Gräsbeck syndrome; PERNICIOUS ANEMIA, JUVENILE, DUE TO SELECTIVE INTESTINAL MALABSORPTION OF VITAMIN B12, WITH PROTEINURIA; Megaloblastic anemia due to inborn errors of metabolism. Identifiers: Orphanet 35858, MedGen C4551825, MONDO:0009853.

Allele frequency attached by ClinVar (database versions not stated): gnomAD 0.00001 and 0.00002; TOPMed 0.00001; ExAC 0.00002; gnomAD exomes 0.00002; 1000 Genomes Project 30x 0.00016; 1000 Genomes Project 0.00020.
gnomAD v4.1: 35 of 1,614,168 alleles (0.0022%); highest among the groups gnomAD compares: East Asian, 0.0045%; no homozygotes.

Submissions (4):

Labcorp Genetics (formerly Invitae), Labcorp
Classification: Uncertain significance for Imerslund-Grasbeck syndrome. Last evaluated: 2025-08-12. Review status: criteria provided, single submitter. Criteria: Invitae Variant Classification Sherloc (09022015). Collection method: clinical testing. Allele origin: germline.
Comment: This sequence change replaces valine, which is neutral and non-polar, with methionine, which is neutral and non-polar, at codon 2886 of the CUBN protein (p.Val2886Met). This variant is present in population databases (rs200235278, gnomAD 0.009%). This variant has not been reported in the literature in individuals affected with CUBN-related conditions. ClinVar contains an entry for this variant (Variation ID: 299398). Invitae Evidence Modeling of protein sequence and biophysical properties (such as structural, functional, and spatial information, amino acid conservation, physicochemical variation, residue mobility, and thermodynamic stability) indicates that this missense variant is not expected to disrupt CUBN protein function with a negative predictive value of 80%. In summary, the available evidence is currently insufficient to determine the role of this variant in disease. Therefore, it has been classified as a Variant of Uncertain Significance.

Blueprint Genetics
Classification: Uncertain significance. Last evaluated: 2024-07-24. Review status: criteria provided, single submitter. Criteria: ACMG Guidelines, 2015. Collection method: clinical testing. Allele origin: germline.

Fulgent Genetics
Classification: Uncertain significance for Imerslund-Grasbeck syndrome type 1; Proteinuria, chronic benign. Last evaluated: 2024-02-20. Review status: criteria provided, single submitter. Criteria: ACMG Guidelines, 2015. Collection method: clinical testing. Allele origin: germline.

Illumina Laboratory Services, Illumina
Classification: Uncertain significance for Imerslund-Grasbeck syndrome type 1. Last evaluated: 2018-01-13. Review status: criteria provided, single submitter. Criteria: ICSL Variant Classification Criteria 13 December 2019. Collection method: clinical testing. Allele origin: germline.